The following is an entry in ClinVar:

NM_000257.4(MYH7):c.611G>A (p.Arg204His)

Gene: MYH7 (myosin heavy chain 7; minus strand). Cytogenetic location: 14q11.2.
Variant type: single nucleotide variant.
Coding change: c.611G>A on transcript NM_000257.4 (MANE Select); coding-DNA position 611, G replaced by A.
Protein change: p.Arg204His; replaces arginine 204 with histidine.
Molecular consequence: missense variant.
Genome position (GRCh38, 1-based): chr14:23,431,789, C>T on the plus strand (G>A on the coding strand, the complement: MYH7 is on the minus strand). VCF-style: chr14-23431789-C-T. GRCh37 (hg19) VCF-style: chr14-23900998-C-T.
Other names: short protein forms R204H.
Identifiers: ClinVar variation 43095 (VCV000043095.47), dbSNP rs397516260, ClinGen allele CA016546.

ClinVar aggregate classification (germline): Pathogenic/Likely pathogenic. Review status: criteria provided, multiple submitters, no conflicts (2 of 4 stars). 21 submissions from 16 submitters: Pathogenic (4); Likely pathogenic (10). 7 of the submissions do not count toward it. Last evaluated 2026-07-27.

Conditions:
MYH7-related disorder. Also called: MYH7-related condition; MYH7-related disease; MYH7-related disorders.
Cardiovascular phenotype. Identifiers: MedGen CN230736.
Hypertrophic cardiomyopathy 1 (CMH1). Also called: Familial hypertrophic cardiomyopathy 1; MYH7-Related Familial Hypertrophic Cardiomyopathy. Identifiers: MedGen C3495498, MONDO:0008647, OMIM 192600.
Dilated cardiomyopathy 1S (CMD1S). Identifiers: Orphanet 154, Orphanet 54260, MedGen C1834481, MONDO:0013262, OMIM 613426.
Cardiomyopathy (CMYO). Also called: Cardiomyopathies. Identifiers: Orphanet 167848, MedGen C0878544, MONDO:0004994, HP:0001638. Inheritance: Various modes of inheritance.
Myopathy, myosin storage, autosomal recessive (CMYO7B). Also called: CONGENITAL MYOPATHY 7B, MYOSIN STORAGE, AUTOSOMAL RECESSIVE. Identifiers: Orphanet 636970, MedGen C1850709, MONDO:0009708, OMIM 255160.
MYH7-related skeletal myopathy. Also called: Myopathy, distal, 1; MYOPATHY, DISTAL, EARLY-ONSET, AUTOSOMAL DOMINANT; MYOPATHY, LATE DISTAL HEREDITARY; Laing distal myopathy; Laing early-onset distal myopathy. Identifiers: Orphanet 59135, MedGen C4552004, MONDO:0008050, OMIM 160500.
Hypertrophic cardiomyopathy. Also called: HYPERTROPHIC MYOCARDIOPATHY. Identifiers: Orphanet 217569, MedGen C0007194, MeSH D002312, MONDO:0005045, HP:0001639.
Myosin storage myopathy (CMYO7A). Also called: MYH7-related late-onset scapuloperoneal muscular dystrophy; Congenital myopathy 7A, myosin storage, autosomal dominant; SCAPULOPERONEAL MUSCULAR DYSTROPHY; SCAPULOPERONEAL SYNDROME, MYOPATHIC TYPE; MYOPATHY WITH LYSIS OF TYPE I MYOFIBRILS; Scapuloperoneal myopathy, MYH7-related. Identifiers: Orphanet 437572, Orphanet 636965, MedGen C1842160, MONDO:0008409, OMIM 608358.

Allele frequency attached by ClinVar (database versions not stated): TOPMed 0.00002; gnomAD exomes 0.00002; gnomAD 0.00003.
gnomAD v4.1: 25 of 1,614,132 alleles (0.0015%); highest among the groups gnomAD compares: East Asian, 0.0022%; no homozygotes.

Submissions 1 to 8 of 21:

Molecular Diagnostic Laboratory for Inherited Cardiovascular Disease, Montreal Heart Institute
Classification: Pathogenic for Cardiovascular phenotype. Last evaluated: 2026-07-27. Review status: criteria provided, single submitter. Criteria: ACMG Guidelines, 2015. Collection method: clinical testing. Allele origin: germline. Affected: yes.

Labcorp Genetics (formerly Invitae), Labcorp
Classification: Pathogenic for Hypertrophic cardiomyopathy. Last evaluated: 2026-01-14. Review status: criteria provided, single submitter. Criteria: Invitae Variant Classification Sherloc (09022015). Collection method: clinical testing. Allele origin: germline.
Comment: This sequence change replaces arginine, which is basic and polar, with histidine, which is basic and polar, at codon 204 of the MYH7 protein (p.Arg204His). This variant is present in population databases (rs397516260, gnomAD 0.005%). This missense change has been observed in individuals with autosomal dominant hypertrophic cardiomyopathy (PMID: 12707239, 23816408, 24111713, 24865491, 27247418, 27532257, 27841901). ClinVar contains an entry for this variant (Variation ID: 43095). Invitae Evidence Modeling of protein sequence and biophysical properties (such as structural, functional, and spatial information, amino acid conservation, physicochemical variation, residue mobility, and thermodynamic stability) indicates that this missense variant is expected to disrupt MYH7 protein function with a positive predictive value of 95%. This variant is found within a region of MYH7 between codons 181 and 937 that contains the majority of the myosin head domain. Missense variants in this region have been shown to be significantly overrepresented in individuals with hypertrophic cardiomyopathy (PMID: 27532257). For these reasons, this variant has been classified as Pathogenic.

Ambry Genetics
Classification: Likely pathogenic for Cardiovascular phenotype. Last evaluated: 2025-10-20. Review status: criteria provided, single submitter. Criteria: Ambry Variant Classification Scheme 2023. Collection method: clinical testing. Allele origin: germline.
Comment: The c.611G>A (p.R204H) alteration is located in exon 7 (coding exon 5) of the MYH7 gene. This alteration results from a G to A substitution at nucleotide position 611, causing the arginine (R) at amino acid position 204 to be replaced by a histidine (H). Based on data from the Genome Aggregation Database (gnomAD) database, the MYH7 c.611G>A alteration was observed in 0.002% (5/282,888) of total alleles studied, with a frequency of 0.005% (1/19,954) in the East Asian subpopulation. This alteration has been reported in a number of hypertrophic cardiomyopathy (HCM) cohorts and in individuals with features consistent with HCM (Richard, 2003; Funada, 2010; Meyer, 2013; Berge, 2014; Su, 2014; Ntusi, 2016; Burns, 2017; Walsh, 2017, Ambry internal data). This amino acid position is well conserved in available vertebrate species. This alteration is located in the myosin head domain, which contains a statistically significant clustering of pathogenic missense variants (Homburger, 2016; Walsh, 2017; Ambry internal data). The in silico prediction for this alteration is inconclusive. Based on the available evidence, this alteration is classified as likely pathogenic.

GeneDx
Classification: Likely pathogenic. Last evaluated: 2025-10-05. Review status: criteria provided, single submitter. Criteria: GeneDx Variant Classification Process June 2021. Collection method: clinical testing. Allele origin: germline. Affected: yes.
Comment: Reported in a patient with early-onset atrial fibrillation in published literature (PMID: 34495297); Identified in a patient with clinically diagnosed limb-girdle muscular dystrophy (LGMD) who harbored an additional pathogenic variant in the CAPN3 gene (PMID: 29970176); Not observed at significant frequency in large population cohorts (gnomAD); In silico analysis suggests that this missense variant does not alter protein structure/function; This variant is associated with the following publications: (PMID: 20439259, 24865491, 12707239, 27532257, 27247418, 24111713, 27841901, 20975235, 23074333, 23816408, 28986452, 28790153, 32894683, 35982159, 31843643, 34542152, 35653365, 37377035, 36243179, 37652022, 34495297, 29970176, 29300372, Harikrishnan_2024)

Color Diagnostics, LLC DBA Color Health
Classification: Likely pathogenic for Cardiomyopathy. Last evaluated: 2025-04-21. Review status: criteria provided, single submitter. Criteria: ACMG Guidelines, 2015. Collection method: clinical testing. Allele origin: germline.
Comment: This missense variant replaces arginine with histidine at codon 204 of the MYH7 protein. Computational prediction tool is inconclusive regarding the impact of this variant on protein structure and function. This variant is found within a highly conserved region of the myosin head domain. Missense variants in this region have been shown to be significantly overrepresented in individuals with hypertrophic cardiomyopathy (PMID: 27532257). To our knowledge, functional studies have not been reported for this variant. This variant has been reported in more than 10 individuals affected with hypertrophic cardiomyopathy (PMID: 12707239, 20975235, 23074333, 23816408, 24111713, 24865491, 27532257, 27841901, 28790153, 32894683, 35653365). This variant has been identified in 5/282888 chromosomes in the general population by the Genome Aggregation Database (gnomAD). A different variant affecting the same codon, p.Arg204Leu, is considered to be disease-causing (ClinVar variation ID: 177869), suggesting that arginine at this position is important for MYH7 protein function. Based on the available evidence, this variant is classified as Likely Pathogenic.

Revvity Omics, Revvity
Classification: Likely pathogenic. Last evaluated: 2024-02-26. Review status: criteria provided, single submitter. Criteria: ACMG Guidelines, 2015. Collection method: clinical testing. Allele origin: germline.

CHEO Genetics Diagnostic Laboratory, Children's Hospital of Eastern Ontario
Classification: Likely pathogenic for Cardiomyopathy. Last evaluated: 2023-03-29. Review status: criteria provided, single submitter. Criteria: ACMG Guidelines, 2015. Collection method: clinical testing. Allele origin: germline. Inheritance: Autosomal dominant inheritance.
Comment: The c.611G>A variant in MYH7 causes an amino acid substitution, which replaces arginine with histidine at position 204. It was identified in 5/282888 (0.0003%) of alleles tested from control populations in the Genome Aggregation Database (gnomAD), including in 0.005% of alleles tested from the East Asian population, and is neither sufficiently rare to provide evidence in favor of pathogenicity nor sufficiently common to provide evidence against pathogenicity. It has been previously reported in at least 15 apparently unrelated individuals with hypertrophic cardiomyopathy (PMID 12707239, 20975235, 23074333, 23816408, 24111713, 24865491, 27532257, 27841901, 28986452, and others). This variant was reported to segregate with disease in one family (PMID 28986452). This variant is located within the head region (codons 181-937) of the Myosin-7 protein (NM_000257.2; NP_000248.2), where MYH7 pathogenic variants are significantly clustered (PMID 29300372). Alternate amino acid substitutions have been previously established as pathogenic at the 204 residue, c.611G>T, p.Arg204Leu, in patients with hypertrophic cardiomyopathy (PMID 27532257, ClinVar database). The Arg204 residue is highly conserved across evolutionarily distant species. In silico analysis programs (SIFT, PolyPhen-2, Mutation Taster) predict this variant to have an impact on the protein function. This variant is listed in ClinVar (VCV000043095). Based on the above information, we categorize this variant as likely pathogenic.

Baylor Genetics
Classification: Pathogenic for Hypertrophic cardiomyopathy 1. Last evaluated: 2022-09-05. Review status: criteria provided, single submitter. Criteria: ACMG Guidelines, 2015. Collection method: clinical testing. Allele origin: unknown.